The following is an entry in ClinVar:

ClinVar aggregate classification (germline): Uncertain significance. Review status: criteria provided, multiple submitters, no conflicts (2 of 4 stars). 3 submissions from 3 submitters: Uncertain significance (2). 1 of the submissions does not count toward it. Last evaluated 2026-07-27.

Conditions:
Metaphyseal chondrodysplasia, McKusick type (CHH). Also called: Cartilage-Hair Hypoplasia (CHH); Cartilage-hair hypoplasia. Identifiers: Orphanet 175, MedGen C0220748, MONDO:0009595, OMIM 250250.
Anauxetic dysplasia. Identifiers: Orphanet 93347, MedGen C1846796, MONDO:0011773.

Allele frequency attached by ClinVar (database versions not stated): 1000 Genomes Project 0.00060.

Submissions (3):

GeneDx
Classification: Uncertain significance. Last evaluated: 2026-07-27. Review status: criteria provided, single submitter. Criteria: GeneDx Variant Classification Process June 2021. Collection method: clinical testing. Allele origin: germline.
Comment: In the absence of RNA/functional studies, the actual effect of this sequence change is unknown; Has not been previously published as pathogenic or benign to our knowledge; Located in a non-coding RNA

Labcorp Genetics (formerly Invitae), Labcorp
Classification: Uncertain significance for Anauxetic dysplasia. Last evaluated: 2022-11-01. Review status: criteria provided, single submitter. Criteria: Invitae Variant Classification Sherloc (09022015). Collection method: clinical testing. Allele origin: germline.
Comment: This variant occurs in the RMRP gene, which encodes an RNA molecule that does not result in a protein product. This variant is present in population databases (rs545020206, gnomAD 0.09%). This variant has not been reported in the literature in individuals affected with RMRP-related conditions. ClinVar contains an entry for this variant (Variation ID: 664283). Experimental studies and prediction algorithms are not available or were not evaluated, and the functional significance of this variant is currently unknown. In summary, the available evidence is currently insufficient to determine the role of this variant in disease. Therefore, it has been classified as a Variant of Uncertain Significance.

Natera, Inc.
Classification: Uncertain significance for Cartilage-hair hypoplasia. Last evaluated: 2020-01-17. Review status: no assertion criteria provided. Collection method: clinical testing. Allele origin: germline. Not counted in ClinVar's aggregate classification.

NC_000009.12:g.35658029C>T

Gene: RMRP (RNA component of mitochondrial RNA processing endoribonuclease; minus strand). Cytogenetic location: 9p13.3.
Variant type: single nucleotide variant.
Genome position: GRCh38 VCF-style: chr9-35658029-C-T. GRCh37 (hg19) VCF-style: chr9-35658026-C-T.
Identifiers: ClinVar variation 664283 (VCV000664283.29), dbSNP rs545020206, ClinGen allele CA192745765.
Genomic context (GRCh38, chr9:35,658,029, plus strand): 5'-GAACAGAGTCCTCAGTGTGTAGCCTAGGATACAGGCCTTCAGCACGAACCACGTCCTCAG[C>T]TTCACAGAGTAGTATTTTATAGCCCTAAAGAAATTGTGTTTTATGATTAGGGTGAGAAAG-3'